The following is an entry in ClinVar:

NM_031471.6(FERMT3):c.46T>C (p.Trp16Arg)

Gene: FERMT3 (FERM domain containing kindlin 3; plus strand). Cytogenetic location: 11q13.1.
Variant type: single nucleotide variant.
Coding change: c.46T>C on transcript NM_031471.6 (MANE Select); coding-DNA position 46, T replaced by C.
Protein change: p.Trp16Arg; replaces tryptophan 16 with arginine.
Molecular consequence: missense variant.
Genome position (GRCh38, 1-based): chr11:64,207,410, T>C. VCF-style: chr11-64207410-T-C. GRCh37 (hg19) VCF-style: chr11-63974882-T-C.
Other names: c.46T>C, p.Trp16Arg (NM_001382361.1, NM_001382362.1, NM_001382448.1 and 1 more transcripts); short protein forms W16R.
Identifiers: ClinVar variation 2105532 (VCV002105532.4), dbSNP rs2495948800, ClinGen allele CA381079482.
Genomic context (GRCh38, chr11:64,207,410, plus strand): 5'-GCAGCAGCCGCAGCCATGGCGGGGATGAAGACAGCCTCCGGGGACTACATCGACTCGTCA[T>C]GGGAGCTGCGGGTGTTTGTGGGAGAGGAGGACCCAGAGGCCGAGTCGGTCACCCTGCGGG-3'
Protein context (NP_113659.3, residues 6-26): TASGDYIDSS[Trp16Arg]ELRVFVGEED

ClinVar aggregate classification (germline): Uncertain significance (1 of 4 stars; one submission).

Conditions:
Leukocyte adhesion deficiency 3. Also called: INTEGRIN ACTIVATION DEFICIENCY DISEASE; LEUKOCYTE ADHESION DEFICIENCY 1 VARIANT; Leukocyte adhesion deficiency, type III. Identifiers: Orphanet 2968, Orphanet 99844, MedGen C2748536, MONDO:0013016, OMIM 612840.

Allele frequency attached by ClinVar (database versions not stated): gnomAD exomes below 0.00001.
gnomAD v4.1: 4 of 1,614,154 alleles (0.00025%); highest among the groups gnomAD compares: Non-Finnish European, 0.00034%; no homozygotes.

Submission:

Labcorp Genetics (formerly Invitae), Labcorp
Classification: Uncertain significance for Leukocyte adhesion deficiency 3. Last evaluated: 2022-03-01. Review status: criteria provided, single submitter. Criteria: Invitae Variant Classification Sherloc (09022015). Collection method: clinical testing. Allele origin: germline.
Comment: This variant has not been reported in the literature in individuals affected with FERMT3-related conditions. In summary, the available evidence is currently insufficient to determine the role of this variant in disease. Therefore, it has been classified as a Variant of Uncertain Significance. Algorithms developed to predict the effect of missense changes on protein structure and function are either unavailable or do not agree on the potential impact of this missense change (SIFT: "Deleterious"; PolyPhen-2: "Probably Damaging"; Align-GVGD: "Class C15"). This variant is not present in population databases (gnomAD no frequency). This sequence change replaces tryptophan, which is neutral and slightly polar, with arginine, which is basic and polar, at codon 16 of the FERMT3 protein (p.Trp16Arg).